The following is an entry in ClinVar:

NM_001009944.3(PKD1):c.8210C>A (p.Ser2737Ter)

Gene: PKD1 (polycystin 1, transient receptor potential channel interacting; minus strand). Cytogenetic location: 16p13.3.
Variant type: single nucleotide variant.
Coding change: c.8210C>A on transcript NM_001009944.3 (MANE Select); coding-DNA position 8210, C replaced by A.
Protein change: p.Ser2737Ter; replaces serine 2737 with a stop codon.
Molecular consequence: nonsense.
Genome position (GRCh38, 1-based): chr16:2,103,847, G>T on the plus strand (C>A on the coding strand, the complement: PKD1 is on the minus strand). VCF-style: chr16-2103847-G-T. GRCh37 (hg19) VCF-style: chr16-2153848-G-T.
Other names: c.8210C>A, p.Ser2737Ter (NM_000296.4); short protein forms S2737*.
Identifiers: ClinVar variation 4082494 (VCV004082494.2).

ClinVar aggregate classification (germline): Likely pathogenic (1 of 4 stars; one submission).

Submission:

Genetic Services Laboratory, University of Chicago
Classification: Likely pathogenic. Last evaluated: 2023-10-26. Review status: criteria provided, single submitter. Criteria: ACMG Guidelines, 2015. Collection method: clinical testing. Allele origin: germline. Affected: yes.
Comment: DNA sequence analysis of the PKD1 gene demonstrated a sequence change, c.8210C>A, which results in the creation of a premature stop codon at amino acid position 2737, p.Ser2737*. This likely pathogenic sequence change is predicted to result in an abnormal transcript, which may be degraded, or may lead to the production of a truncated PKD1 protein with potentially abnormal function. This sequence change has not been described in the population databases such as ExAC and gnomAD. While this particular sequence change has not been previously reported in individuals with PKD1-related disorders, several other sequence changes in this region of the PKD1 protein that result in a premature stop codon have been reported in individuals with autosomal dominant polycystic kidney disease [PMID: 31740684, 30586318, 25333066]. These collective evidences indicate that this sequence change is likely pathogenic; however, functional studies have not been performed to prove this conclusively.